The following is an entry in ClinVar:

ClinVar aggregate classification (germline): Uncertain significance (1 of 4 stars; one submission).

Conditions:
Hereditary cancer-predisposing syndrome. Also called: Tumor predisposition; Hereditary neoplastic syndrome; Neoplastic Syndromes, Hereditary; Hereditary Cancer Syndrome. Identifiers: Orphanet 140162, MedGen C0027672, MeSH D009386, MONDO:0015356.

Submission:

Ambry Genetics
Classification: Uncertain significance for Hereditary cancer-predisposing syndrome. Last evaluated: 2019-10-01. Review status: criteria provided, single submitter. Criteria: Ambry Variant Classification Scheme 2023. Collection method: clinical testing. Allele origin: germline.
Comment: The p.Y401F variant (also known as c.1202A>T), located in coding exon 12 of the BAP1 gene, results from an A to T substitution at nucleotide position 1202. The tyrosine at codon 401 is replaced by phenylalanine, an amino acid with highly similar properties. This amino acid position is well conserved in available vertebrate species. In addition, this alteration is predicted to be tolerated by in silico analysis. Since supporting evidence is limited at this time, the clinical significance of this alteration remains unclear.

NM_004656.4(BAP1):c.1202A>T (p.Tyr401Phe)

Gene: BAP1 (BRCA1 associated deubiquitinase 1; minus strand). Cytogenetic location: 3p21.1.
Variant type: single nucleotide variant.
Coding change: c.1202A>T on transcript NM_004656.4 (MANE Select); coding-DNA position 1202, A replaced by T.
Protein change: p.Tyr401Phe; replaces tyrosine 401 with phenylalanine.
Molecular consequence: missense variant.
Genome position (GRCh38, 1-based): chr3:52,404,501, T>A on the plus strand (A>T on the coding strand, the complement: BAP1 is on the minus strand). VCF-style: chr3-52404501-T-A. GRCh37 (hg19) VCF-style: chr3-52438517-T-A.
Other names: short protein forms Y401F.
Identifiers: ClinVar variation 818523 (VCV000818523.4), dbSNP rs1553645130, ClinGen allele CA353102999.